The following is an entry in ClinVar:

ClinVar aggregate classification (germline): Uncertain significance. Review status: criteria provided, multiple submitters, no conflicts (2 of 4 stars). 2 submissions from 2 submitters: Uncertain significance (2). Last evaluated 2024-11-04.

gnomAD v4.1: 2 of 1,614,042 alleles (0.00012%); highest among the groups gnomAD compares: African/African-American, 0.0013%; no homozygotes.

Submissions (2):

Labcorp Genetics (formerly Invitae), Labcorp
Classification: Uncertain significance. Last evaluated: 2024-11-04. Review status: criteria provided, single submitter. Criteria: Invitae Variant Classification Sherloc (09022015). Collection method: clinical testing. Allele origin: germline.
Comment: This sequence change replaces proline, which is neutral and non-polar, with arginine, which is basic and polar, at codon 1571 of the COL4A1 protein (p.Pro1571Arg). This variant is not present in population databases (gnomAD no frequency). This variant has not been reported in the literature in individuals affected with COL4A1-related conditions. Invitae Evidence Modeling of protein sequence and biophysical properties (such as structural, functional, and spatial information, amino acid conservation, physicochemical variation, residue mobility, and thermodynamic stability) indicates that this missense variant is expected to disrupt COL4A1 protein function with a positive predictive value of 95%. In summary, the available evidence is currently insufficient to determine the role of this variant in disease. Therefore, it has been classified as a Variant of Uncertain Significance.

Blueprint Genetics
Classification: Uncertain significance. Last evaluated: 2023-04-19. Review status: criteria provided, single submitter. Criteria: ACMG Guidelines, 2015. Collection method: clinical testing. Allele origin: germline.

NM_001845.6(COL4A1):c.4712C>G (p.Pro1571Arg)

Gene: COL4A1 (collagen type IV alpha 1 chain; minus strand). Cytogenetic location: 13q34.
Variant type: single nucleotide variant.
Coding change: c.4712C>G on transcript NM_001845.6 (MANE Select); coding-DNA position 4712, C replaced by G.
Protein change: p.Pro1571Arg; replaces proline 1571 with arginine.
Molecular consequence: missense variant.
Genome position (GRCh38, 1-based): chr13:110,155,326, G>C on the plus strand (C>G on the coding strand, the complement: COL4A1 is on the minus strand). VCF-style: chr13-110155326-G-C. GRCh37 (hg19) VCF-style: chr13-110807673-G-C.
Other names: short protein forms P1571R.
Identifiers: ClinVar variation 3696217 (VCV003696217.3).
Genomic context (GRCh38, chr13:110,155,326, plus strand): 5'-TCTCCCCAGACACTTACCATCACAAAAGAGTAGCCGATCCACAGCGAGGACCACCCGCTG[G>C]GGCACGGTGGGATCTGAATGGTCTGGCTGTGCACGGCCATCACCATGGCAGGCGCCTCAC-3'
Protein context (NP_001836.3, residues 1561-1581): HSQTIQIPPC[Pro1571Arg]SGWSSLWIGY